The following is an entry in ClinVar:

NM_001694.4(ATP6V0C):c.296_307del (p.Val99_Ser102del)

Gene: ATP6V0C (ATPase H+ transporting V0 subunit c; plus strand). Cytogenetic location: 16p13.3.
Variant type: Deletion.
Coding change: c.296_307del on transcript NM_001694.4 (MANE Select); coding-DNA positions 296 to 307, 12 bases deleted (TGGGCCTGAGCG).
Protein change: p.Val99_Ser102del.
Molecular consequence: inframe deletion.
Genome position (GRCh38, 1-based): chr16:2,519,573-2,519,584, TGGGCCTGAGCG deleted; deleting any 12 consecutive bases within chr16:2,519,563-2,519,584 gives the same sequence; the c. name uses the placement nearest the transcript's 3' end. VCF-style (leftmost placement, unchanged base first): chr16-2519562-CGGCCTGAGCGTG-C. GRCh37 (hg19) VCF-style: chr16-2569563-CGGCCTGAGCGTG-C.
Other names: c.296_307del, p.Val99_Ser102del (NM_001198569.2).
Identifiers: ClinVar variation 3903275 (VCV003903275.3).

ClinVar aggregate classification (germline): Conflicting classifications of pathogenicity. Review status: criteria provided, conflicting classifications (1 of 4 stars). 3 submissions from 3 submitters: Pathogenic (1); Likely pathogenic (1); Uncertain significance (1). Last evaluated 2026-07-13.

Conditions:
Epilepsy, early-onset, 3, with or without developmental delay (EPEO3). Identifiers: MedGen C5882674, MONDO:0958196, OMIM 620465.

Submissions (3):

Institute of Human Genetics, University of Leipzig Medical Center
Classification: Likely pathogenic for Epilepsy, early-onset, 3, with or without developmental delay. Last evaluated: 2026-07-13. Review status: criteria provided, single submitter. Criteria: ACMG Guidelines, 2015. Collection method: clinical testing. Allele origin: maternal. Inheritance: Autosomal dominant inheritance. Affected: yes.
Comment: Criteria applied: PS2_MOD,PS4_MOD,PM4,PM2_SUP

Kasturba Medical College, Manipal, Kasturba Medical College, Manipal, Manipal Academy of Higher Education, Manipal, India
Classification: Uncertain significance for Epilepsy, early-onset, 3, with or without developmental delay. Last evaluated: 2026-05-23. Review status: criteria provided, single submitter. Criteria: ACMG Guidelines, 2015. Collection method: research. Allele origin: paternal. Inheritance: Autosomal dominant inheritance. Affected: yes.
Comment: A known inframe deletion, c.296_307del in exon 3 of ATP6V0C was observed in heterozygous state in proband (Zhao et al., 2023, VCV003903275.1). The variant has been reported in one individual in heterozygous state and absent in homozygous state in gnomAD (v4.1.0). This variant has not been reported in heterozygous and/or homozygous state in our in-house database of 4189 exomes. Individuals with pathogenic variants in ATP6VOC present with global developmental delay, seizures and mild dysmorphism with variable severity and incomplete penetrance (Tian et al., 2022, Zhao et al., 2023)

GeneDx
Classification: Pathogenic. Last evaluated: 2024-12-13. Review status: criteria provided, single submitter. Criteria: GeneDx Variant Classification Process June 2021. Collection method: clinical testing. Allele origin: germline. Affected: yes.
Comment: Not observed at significant frequency in large population cohorts (gnomAD); In-frame deletion of 4 amino acids in a non-repeat region; In silico analysis indicates that this variant does not alter protein structure/function; This variant is associated with the following publications: (PMID: 37161035, 37415295)

Literature cited by the submitters: PubMed 37161035 (cited by Kasturba Medical College, Manipal, Kasturba Medical College, Manipal, Manipal Academy of Higher Education, Manipal, India); PubMed 35600075 (cited by Kasturba Medical College, Manipal, Kasturba Medical College, Manipal, Manipal Academy of Higher Education, Manipal, India).